The following is an entry in ClinVar:

ClinVar aggregate classification (germline): Uncertain significance (1 of 4 stars; one submission).

Conditions:
CEP290-related disorder. Also called: CEP290-related condition; CEP290-related disorders. Identifiers: MedGen CN239314.

Submission:

PreventionGenetics, part of Exact Sciences
Classification: Uncertain significance for CEP290-related condition. Last evaluated: 2024-11-15. Review status: criteria provided, single submitter. Criteria: ACMG Guidelines, 2015. Collection method: clinical testing. Allele origin: germline.
Comment: The CEP290 c.6003G>T variant is predicted to result in the amino acid substitution p.Leu2001Phe. To our knowledge, this variant has not been reported in the literature or in a large population database (gnomAD), indicating this variant is rare. At this time, the clinical significance of this variant is uncertain due to the absence of conclusive functional and genetic evidence.

NM_025114.4(CEP290):c.6003G>T (p.Leu2001Phe)

Gene: CEP290 (centrosomal protein 290; minus strand). Cytogenetic location: 12q21.32.
Variant type: single nucleotide variant.
Coding change: c.6003G>T on transcript NM_025114.4 (MANE Select); coding-DNA position 6003, G replaced by T.
Protein change: p.Leu2001Phe; replaces leucine 2001 with phenylalanine.
Molecular consequence: missense variant.
Genome position (GRCh38, 1-based): chr12:88,071,302, C>A on the plus strand (G>T on the coding strand, the complement: CEP290 is on the minus strand). VCF-style: chr12-88071302-C-A. GRCh37 (hg19) VCF-style: chr12-88465079-C-A.
Other names: short protein forms L2001F.
Identifiers: ClinVar variation 5000498 (VCV005000498.1).